The following is an entry in ClinVar:

ClinVar aggregate classification (germline): Uncertain significance (1 of 4 stars; one submission).

Allele frequency attached by ClinVar (database versions not stated): TOPMed below 0.00001; gnomAD 0.00001.

Submission:

Labcorp Genetics (formerly Invitae), Labcorp
Classification: Uncertain significance. Last evaluated: 2019-10-04. Review status: criteria provided, single submitter. Criteria: Invitae Variant Classification Sherloc (09022015). Collection method: clinical testing. Allele origin: germline.
Comment: In summary, the available evidence is currently insufficient to determine the role of this variant in disease. Therefore, it has been classified as a Variant of Uncertain Significance. Disruption of the initiator codon has been observed in individuals affected with inherited retinal disease (PMID: 28912962, 28041643, 28559085). This variant is not present in population databases (ExAC no frequency). This sequence change affects the initiator methionine of the PDE6B mRNA. The next in-frame methionine is located at codon 66.

Literature cited by the submitters: PubMed 28912962; PubMed 28041643; PubMed 28559085.

NM_000283.4(PDE6B):c.3G>T (p.Met1Ile)

Gene: PDE6B (phosphodiesterase 6B; plus strand). Cytogenetic location: 4p16.3.
Variant type: single nucleotide variant.
Coding change: c.3G>T on transcript NM_000283.4 (MANE Select); coding-DNA position 3, G replaced by T.
Protein change: p.Met1Ile; changes the start codon (methionine 1).
Molecular consequence: missense variant, initiator codon variant.
Genome position (GRCh38, 1-based): chr4:625,629, G>T. VCF-style: chr4-625629-G-T. GRCh37 (hg19) VCF-style: chr4-619418-G-T.
Other names: c.3G>T, p.Met1Ile (NM_001145291.2); short protein forms M1I.
Identifiers: ClinVar variation 933238 (VCV000933238.10), dbSNP rs1734048235, ClinGen allele CA355905793.
Genomic context (GRCh38, chr4:625,629, plus strand): 5'-TTTCCTGGGAGTCCATGCGTGCCTGGAGCAGCAGCGTCTCCAGGGACAGGCAGCCACCAT[G>T]AGCCTCAGTGAGGAGCAGGCCCGGAGCTTTCTGGACCAGAACCCCGATTTTGCCCGCCAG-3'
Protein context (NP_000274.3, residues 1-11): [Met1Ile]SLSEEQARSF